The following is an entry in ClinVar:

NM_004408.4(DNM1):c.2420C>G (p.Ser807Cys)

Genes: DNM1 (dynamin 1; plus strand), LOC130002699 (ATAC-STARR-seq lymphoblastoid silent region 20333; plus strand). Cytogenetic location: 9q34.11.
Variant type: single nucleotide variant.
Coding change: c.2420C>G on transcript NM_004408.4 (MANE Select); coding-DNA position 2420, C replaced by G.
Protein change: p.Ser807Cys; replaces serine 807 with cysteine.
Molecular consequence: missense variant.
Genome position (GRCh38, 1-based): chr9:128,250,826, C>G. VCF-style: chr9-128250826-C-G. GRCh37 (hg19) VCF-style: chr9-131013105-C-G.
Other names: c.2420C>G, p.Ser807Cys (NM_001005336.3, NM_001288737.2, NM_001288738.2 and 1 more transcripts); short protein forms S807C.
Identifiers: ClinVar variation 387422 (VCV000387422.49), dbSNP rs935756107, ClinGen allele CA16605334.

ClinVar aggregate classification (germline): Benign/Likely benign. Review status: criteria provided, multiple submitters, no conflicts (2 of 4 stars). 5 submissions from 5 submitters: Benign (1); Likely benign (3). 1 of the submissions does not count toward it. Last evaluated 2026-01-17.

Conditions:
Inborn genetic diseases. Identifiers: MedGen C0950123, MeSH D030342.
DNM1-related disorder. Also called: DNM1-related condition.
Developmental and epileptic encephalopathy, 31A. Also called: Epileptic encephalopathy, early infantile, 31; Developmental and epileptic encephalopathy, 31. Identifiers: Orphanet 2382, MedGen C4225357, MONDO:0014598, OMIM 616346.

Allele frequency attached by ClinVar (database versions not stated): gnomAD 0.00022; TOPMed 0.00028; 1000 Genomes Project 30x 0.00031.
gnomAD v4.1: 786 of 1,324,334 alleles (0.059%); highest among the groups gnomAD compares: Non-Finnish European, 0.069%; 1 homozygote.

Submissions (5):

Labcorp Genetics (formerly Invitae), Labcorp
Classification: Benign for Developmental and epileptic encephalopathy, 31A. Last evaluated: 2026-01-17. Review status: criteria provided, single submitter. Criteria: Invitae Variant Classification Sherloc (09022015). Collection method: clinical testing. Allele origin: germline.

CeGaT Center for Human Genetics Tuebingen
Classification: Likely benign. Last evaluated: 2025-07-01. Review status: criteria provided, single submitter. Criteria: CeGaT Center For Human Genetics Tuebingen Variant Classification Criteria Version 2. Collection method: clinical testing. Allele origin: germline. Affected: yes. Observed: 5 variant alleles.
Comment: DNM1: PP2, BS2

Ambry Genetics
Classification: Likely benign for Inborn genetic diseases. Last evaluated: 2023-08-14. Review status: criteria provided, single submitter. Criteria: Ambry Variant Classification Scheme 2023. Collection method: clinical testing. Allele origin: germline.

GeneDx
Classification: Likely benign. Last evaluated: 2021-05-06. Review status: criteria provided, single submitter. Criteria: GeneDx Variant Classification Process June 2021. Collection method: clinical testing. Allele origin: germline. Affected: yes.

PreventionGenetics, part of Exact Sciences
Classification: Likely benign for DNM1-related condition. Last evaluated: 2019-08-30. Review status: no assertion criteria provided. Collection method: clinical testing. Allele origin: germline. Not counted in ClinVar's aggregate classification.
Comment: This variant is classified as likely benign based on ACMG/AMP sequence variant interpretation guidelines (Richards et al. 2015 PMID: 25741868, with internal and published modifications).